The following is an entry in ClinVar:

ClinVar aggregate classification (germline): Uncertain significance (1 of 4 stars; one submission).

Submission:

Labcorp Genetics (formerly Invitae), Labcorp
Classification: Uncertain significance. Last evaluated: 2022-06-23. Review status: criteria provided, single submitter. Criteria: Invitae Variant Classification Sherloc (09022015). Collection method: clinical testing. Allele origin: germline.
Comment: This sequence change replaces glutamic acid, which is acidic and polar, with glutamine, which is neutral and polar, at codon 2861 of the COL7A1 protein (p.Glu2861Gln). This variant is not present in population databases (gnomAD no frequency). This variant has not been reported in the literature in individuals affected with COL7A1-related conditions. Advanced modeling of protein sequence and biophysical properties (such as structural, functional, and spatial information, amino acid conservation, physicochemical variation, residue mobility, and thermodynamic stability) performed at Invitae indicates that this missense variant is not expected to disrupt COL7A1 protein function. Algorithms developed to predict the effect of sequence changes on RNA splicing suggest that this variant may create or strengthen a splice site. In summary, the available evidence is currently insufficient to determine the role of this variant in disease. Therefore, it has been classified as a Variant of Uncertain Significance.

NM_000094.4(COL7A1):c.8581G>C (p.Glu2861Gln)

Gene: COL7A1 (collagen type VII alpha 1 chain; minus strand). Cytogenetic location: 3p21.31.
Variant type: single nucleotide variant.
Coding change: c.8581G>C on transcript NM_000094.4 (MANE Select); coding-DNA position 8581, G replaced by C.
Protein change: p.Glu2861Gln; replaces glutamic acid 2861 with glutamine.
Molecular consequence: missense variant.
Genome position (GRCh38, 1-based): chr3:48,565,148, C>G on the plus strand (G>C on the coding strand, the complement: COL7A1 is on the minus strand). VCF-style: chr3-48565148-C-G. GRCh37 (hg19) VCF-style: chr3-48602581-C-G.
Other names: short protein forms E2861Q.
Identifiers: ClinVar variation 2009646 (VCV002009646.1), dbSNP rs1575414731, ClinGen allele CA352634000.